The following is an entry in ClinVar:

NM_001145809.2(MYH14):c.5469+13del

Gene: MYH14 (myosin heavy chain 14; plus strand). Cytogenetic location: 19q13.33.
Variant type: Deletion.
Coding change: c.5469+13del on transcript NM_001145809.2 (MANE Select); 13 bases into the intron after coding-DNA position 5469, one base deleted (G; older notation c.5469+13delG).
Molecular consequence: intron variant.
Genome position (GRCh38, 1-based): chr19:50,293,700, G deleted. VCF-style (leftmost placement, unchanged base first): chr19-50293699-TG-T. GRCh37 (hg19) VCF-style: chr19-50796956-TG-T.
Other names: c.5370+13del (NM_001077186.2); c.5346+13del (NM_024729.4).
Identifiers: ClinVar variation 1034066 (VCV001034066.4), dbSNP rs760445854, ClinGen allele CA9593807.

ClinVar aggregate classification (germline): Conflicting classifications of pathogenicity. Review status: criteria provided, conflicting classifications (1 of 4 stars). 2 submissions from 2 submitters: Uncertain significance (1); Likely benign (1). Last evaluated 2023-05-09.

Conditions:
Peripheral neuropathy-myopathy-hoarseness-hearing loss syndrome. Identifiers: Orphanet 397744, MedGen C3280556, MONDO:0013711, OMIM 614369.

Allele frequency attached by ClinVar (database versions not stated): ExAC 0.00001; gnomAD exomes 0.00003 and 0.00005; TOPMed 0.00004; gnomAD 0.00006.

Submissions (2):

Labcorp Genetics (formerly Invitae), Labcorp
Classification: Likely benign. Last evaluated: 2023-05-09. Review status: criteria provided, single submitter. Criteria: Invitae Variant Classification Sherloc (09022015). Collection method: clinical testing. Allele origin: germline.

Baylor Genetics
Classification: Uncertain significance for Peripheral neuropathy-myopathy-hoarseness-hearing loss syndrome. Last evaluated: 2018-04-13. Review status: criteria provided, single submitter. Criteria: ACMG Guidelines, 2015. Collection method: clinical testing. Allele origin: maternal. Affected: yes.
Comment: This variant was determined to be of uncertain significance according to ACMG Guidelines, 2015 [PMID:25741868].